The following is an entry in ClinVar:

ClinVar aggregate classification (germline): Likely benign (1 of 4 stars; one submission).

Conditions:
LMO7-related disorder. Also called: LMO7-related condition.

gnomAD v4.1: 18 of 1,613,766 alleles (0.0011%); highest among the groups gnomAD compares: Middle Eastern, 0.066%; no homozygotes.

Submission:

PreventionGenetics, part of Exact Sciences
Classification: Likely benign for LMO7-related condition. Last evaluated: 2025-12-10. Review status: criteria provided, single submitter. Criteria: ACMG Guidelines, 2015. Collection method: clinical testing. Allele origin: germline.
Comment: This variant is classified as likely benign based on ACMG/AMP sequence variant interpretation guidelines (Richards et al. 2015 PMID: 25741868, with internal and published modifications).

NM_001306080.2(LMO7):c.642G>A (p.Thr214=)

Gene: LMO7 (LIM domain 7; plus strand). Cytogenetic location: 13q22.2.
Variant type: single nucleotide variant.
Coding change: c.642G>A on transcript NM_001306080.2 (MANE Select); coding-DNA position 642, G replaced by A.
Protein change: p.Thr214=; no amino-acid change (threonine 214 retained).
Molecular consequence: synonymous variant. On other transcripts: 5 prime UTR variant (5).
Genome position (GRCh38, 1-based): chr13:75,800,863, G>A. VCF-style: chr13-75800863-G-A. GRCh37 (hg19) VCF-style: chr13-76374999-G-A.
Other names: c.-58G>A (NM_001330583.1, NM_001366632.2, NM_001366634.2 and 2 more transcripts); c.516G>A, p.Thr172= (NM_001366633.2); c.798G>A, p.Thr266= (NM_005358.5).
Identifiers: ClinVar variation 4985905 (VCV004985905.1).
Genomic context (GRCh38, chr13:75,800,863, plus strand): 5'-CTTTGAAAGCTTGGACTCTTTGGGCTCGAGGTCATTGACAAGCTGCTCCTCTGATATCAC[G>A]TTGAGAGGGGGGCGTGAAGGTGTGTTGTGTTTTGGCTGTCAGTTTATTTGTTCACATATT-3'
Protein context (NP_001293009.1, residues 204-224): RSLTSCSSDI[Thr214=]LRGGREGFES